The following is an entry in ClinVar:

ClinVar aggregate classification (germline): Uncertain significance (1 of 4 stars; one submission).

Conditions:
Inborn genetic diseases. Identifiers: MedGen C0950123, MeSH D030342.

Submission:

Ambry Genetics
Classification: Uncertain significance for Inborn genetic diseases. Last evaluated: 2026-07-27. Review status: criteria provided, single submitter. Criteria: Ambry Variant Classification Scheme 2023. Collection method: clinical testing. Allele origin: germline.
Comment: The c.553C>G (p.R185G) alteration is located in exon 4 (coding exon 4) of the PPP2CA gene. This alteration results from a C to G substitution at nucleotide position 553, causing the arginine (R) at amino acid position 185 to be replaced by a glycine (G). This variant was not reported in population-based cohorts in the Genome Aggregation Database (gnomAD). This amino acid position is highly conserved in available vertebrate species. This missense variant is located in a region that has a low rate of benign missense variation (Lek, 2016; Firth, 2009). This alteration is predicted to be deleterious by in silico analysis. Based on insufficient or conflicting evidence, the clinical significance of this alteration remains unclear.

NM_002715.4(PPP2CA):c.553C>G (p.Arg185Gly)

Gene: PPP2CA (protein phosphatase 2 catalytic subunit alpha; minus strand). Cytogenetic location: 5q31.1.
Variant type: single nucleotide variant.
Coding change: c.553C>G on transcript NM_002715.4 (MANE Select); coding-DNA position 553, C replaced by G.
Protein change: p.Arg185Gly; replaces arginine 185 with glycine.
Molecular consequence: missense variant. On other transcripts: non-coding transcript variant (1).
Genome position (GRCh38, 1-based): chr5:134,201,008, G>C on the plus strand (C>G on the coding strand, the complement: PPP2CA is on the minus strand). VCF-style: chr5-134201008-G-C. GRCh37 (hg19) VCF-style: chr5-133536699-G-C.
Other names: c.358C>G, p.Arg120Gly (NM_001355019.2); short protein forms R120G, R185G.
Identifiers: ClinVar variation 5027230 (VCV005027230.1).